The following is an entry in ClinVar:

NM_000090.4(COL3A1):c.3480_3525+104del

Gene: COL3A1 (collagen type III alpha 1 chain; plus strand). Cytogenetic location: 2q32.2.
Variant type: Deletion.
Coding change: c.3480_3525+104del on transcript NM_000090.4 (MANE Select); coding-DNA position 3480 through 104 bases into the intron after coding-DNA position 3525, 150 bases deleted.
Molecular consequence: splice donor variant.
Genome position (GRCh38, 1-based): chr2:189,008,097-189,008,246, 150 bases deleted. GRCh37 (hg19): chr2:189,872,823-189,872,972.
Identifiers: ClinVar variation 4721355 (VCV004721355.1).

ClinVar aggregate classification (germline): Pathogenic (1 of 4 stars; one submission).

Conditions:
Ehlers-Danlos syndrome, type 4 (EDSVASC). Also called: Ehlers-Danlos syndrome vascular type; Ehlers Danlos syndrome, ecchymotic type; Ehlers Danlos syndrome, arterial type; Ehlers Danlos syndrome, Sack-Barabas type; Ehlers-Danlos Syndrome Type IV. Identifiers: Orphanet 286, MedGen C0268338, MONDO:0017314, OMIM 130050.

Submission:

Labcorp Genetics (formerly Invitae), Labcorp
Classification: Pathogenic for Ehlers-Danlos syndrome, type 4. Last evaluated: 2025-06-12. Review status: criteria provided, single submitter. Criteria: Invitae Variant Classification Sherloc (09022015). Collection method: clinical testing. Allele origin: germline.
Comment: This variant results in the deletion of part of exon 47 (c.3480_3525+104del) of the COL3A1 gene. It is expected to disrupt RNA splicing. Variants that disrupt the donor or acceptor splice site typically lead to a loss of protein function (PMID: 16199547), and loss-of-function variants in COL3A1 are known to be pathogenic (PMID: 24922459). This variant is not present in population databases (gnomAD no frequency). This variant has not been reported in the literature in individuals affected with COL3A1-related conditions. This variant disrupts a region of the COL3A1 protein in which other variant(s) (p.Gly1164Glu) have been determined to be pathogenic (PMID: 10706896, 24922459). This suggests that this is a clinically significant region of the protein, and that variants that disrupt it are likely to be disease-causing. For these reasons, this variant has been classified as Pathogenic.

Literature cited by the submitters: PubMed 16199547; PubMed 24922459; PubMed 10706896.